The following is an entry in ClinVar:

NC_000016.10:g.5072040C>A

Genes: ALG1 (ALG1 chitobiosyldiphosphodolichol beta-mannosyltransferase; plus strand), LOC130058384 (ATAC-STARR-seq lymphoblastoid active region 10349; plus strand). Cytogenetic location: 16p13.3.
Variant type: single nucleotide variant.
Genome position: GRCh38 VCF-style: chr16-5072040-C-A. GRCh37 (hg19) VCF-style: chr16-5122041-C-A.
Identifiers: ClinVar variation 193421 (VCV000193421.29), dbSNP rs145474820, ClinGen allele CA200563.

ClinVar aggregate classification (germline): Likely benign. Review status: criteria provided, multiple submitters, no conflicts (2 of 4 stars). 7 submissions from 7 submitters: Likely benign (6). 1 of the submissions does not count toward it. Last evaluated 2026-02-04.

Conditions:
ALG1-related disorder. Also called: ALG1-related condition.
ALG1-congenital disorder of glycosylation. Also called: CDG Ik; ALG1-CDG; CONGENITAL DISORDER OF GLYCOSYLATION, TYPE Ik. Identifiers: Orphanet 79327, MedGen C2931005, MONDO:0012052, OMIM 608540.

Allele frequency attached by ClinVar (database versions not stated): 1000 Genomes Project 30x 0.00125; 1000 Genomes Project 0.00140; ESP Exome Variant Server 0.00198; gnomAD exomes 0.00234; gnomAD 0.00238 and 0.00246; TOPMed 0.00243; ExAC 0.00348.

Submissions (7):

Labcorp Genetics (formerly Invitae), Labcorp
Classification: Likely benign for ALG1-congenital disorder of glycosylation. Last evaluated: 2026-02-04. Review status: criteria provided, single submitter. Criteria: Invitae Variant Classification Sherloc (09022015). Collection method: clinical testing. Allele origin: germline.

CeGaT Center for Human Genetics Tuebingen
Classification: Likely benign. Last evaluated: 2025-12-01. Review status: criteria provided, single submitter. Criteria: CeGaT Center For Human Genetics Tuebingen Variant Classification Criteria Version 2. Collection method: clinical testing. Allele origin: germline. Affected: yes. Observed: 3 variant alleles.
Comment: ALG1: BS2

Blueprint Genetics
Classification: Likely benign. Last evaluated: 2024-11-21. Review status: criteria provided, single submitter. Criteria: ACMG Guidelines, 2015. Collection method: clinical testing. Allele origin: germline.

GeneDx
Classification: Likely benign. Last evaluated: 2018-07-09. Review status: criteria provided, single submitter. Criteria: GeneDx Variant Classification Process June 2021. Collection method: clinical testing. Allele origin: germline. Affected: yes.
Comment: This variant is associated with the following publications: (PMID: 26931382)

Center for Pediatric Genomic Medicine, Children's Mercy Hospital and Clinics
Classification: Likely benign. Last evaluated: 2016-02-01. Review status: criteria provided, single submitter. Criteria: ACMG Guidelines, 2015. Collection method: clinical testing. Allele origin: germline.
ClinVar note: Converted during submission from Likely Benign to Likely benign.

Eurofins Ntd Llc (ga)
Classification: Likely benign. Last evaluated: 2015-03-13. Review status: criteria provided, single submitter. Criteria: EGL Classification Definitions 2015. Collection method: clinical testing. Allele origin: germline. Observed: 2 variant alleles, 2 heterozygotes.

PreventionGenetics, part of Exact Sciences
Classification: Likely benign for ALG1-related condition. Last evaluated: 2019-09-10. Review status: no assertion criteria provided. Collection method: clinical testing. Allele origin: germline. Not counted in ClinVar's aggregate classification.
Comment: This variant is classified as likely benign based on ACMG/AMP sequence variant interpretation guidelines (Richards et al. 2015 PMID: 25741868, with internal and published modifications).